The following is an entry in ClinVar:

NM_138413.4(HOGA1):c.186_187del (p.His62fs)

Gene: HOGA1 (4-hydroxy-2-oxoglutarate aldolase 1; plus strand). Cytogenetic location: 10q24.2.
Variant type: Microsatellite.
Coding change: c.186_187del on transcript NM_138413.4 (MANE Select); coding-DNA positions 186 to 187, 2 bases deleted (CA; older notation c.186_187delCA).
Protein change: p.His62fs; shifts the reading frame from histidine 62.
Molecular consequence: frameshift variant.
Genome position (GRCh38, 1-based): chr10:97,584,889-97,584,890, CA deleted; deleting any 2 consecutive bases within chr10:97,584,887-97,584,890 gives the same sequence; the c. name uses the placement nearest the transcript's 3' end. VCF-style (leftmost placement, unchanged base first): chr10-97584886-GCA-G. GRCh37 (hg19) VCF-style: chr10-99344643-GCA-G.
Other names: c.186_187del, p.His62fs (NM_001134670.2); c.185_186del (NM_138413.4); c.186_187del (NM_138413.3); short protein forms H62fs.
Identifiers: ClinVar variation 2664380 (VCV002664380.3), dbSNP rs2540060652, ClinGen allele CA2610414660.

ClinVar aggregate classification (germline): Pathogenic. Review status: criteria provided, multiple submitters, no conflicts (2 of 4 stars). 2 submissions from 2 submitters: Pathogenic (2). Last evaluated 2025-02-03.

Conditions:
Primary hyperoxaluria type 3. Also called: PH III. Identifiers: Orphanet 416, Orphanet 93600, MedGen C3150878, MONDO:0013327, OMIM 613616. Disease mechanism: loss of function.

Submissions (2):

Natera, Inc.
Classification: Pathogenic for Primary hyperoxaluria type III. Last evaluated: 2025-02-03. Review status: criteria provided, single submitter. Criteria: Natera Variant Classification Schema (03/2026). Collection method: clinical testing. Allele origin: germline.
Comment: The c.186_187del variant in HOGA1 is a frameshift variant predicted to shift the reading frame beginning at codon 62 and leads to a stop codon 26 codons downstream. This variant is expected to result in nonsense mediated decay, truncation, or a dysfunctional protein product. This variant is rare in the general population with a frequency below the threshold expected for the associated phenotype(s). This variant has been observed in one or more individuals affected with the associated recessive disease, as either homozygous or compound heterozygous with a second variant (PMID: 33865885). Given the available evidence, this variant is classified as Pathogenic.

Clinical Biochemistry Laboratory, Health Services Laboratory
Classification: Pathogenic for Primary hyperoxaluria type 3. Last evaluated: 2023-10-27. Review status: criteria provided, single submitter. Criteria: ACMG Guidelines, 2015. Collection method: curation. Allele origin: germline. Affected: yes.
Comment: ACMG:PVS1 PM2 PM3 PP4

Literature cited by the submitters: PubMed 33865885 (cited by Natera, Inc. and Clinical Biochemistry Laboratory, Health Services Laboratory).